The following is an entry in ClinVar:

NM_001287491.2(TET3):c.2263A>G (p.Lys755Glu)

Gene: TET3 (tet methylcytosine dioxygenase 3; plus strand). Cytogenetic location: 2p13.1.
Variant type: single nucleotide variant.
Coding change: c.2263A>G on transcript NM_001287491.2 (MANE Select); coding-DNA position 2263, A replaced by G.
Protein change: p.Lys755Glu; replaces lysine 755 with glutamic acid.
Molecular consequence: missense variant.
Genome position (GRCh38, 1-based): chr2:74,048,180, A>G. VCF-style: chr2-74048180-A-G. GRCh37 (hg19) VCF-style: chr2-74275307-A-G.
Other names: c.1984A>G, p.Lys662Glu (NM_001366022.1); short protein forms K662E, K755E.
Identifiers: ClinVar variation 3357857 (VCV003357857.1).

ClinVar aggregate classification (germline): Uncertain significance (0 of 4 stars; one submission).

Conditions:
TET3-related disorder. Also called: TET3-related condition; TET3-Related Disease.

Submission:

PreventionGenetics, part of Exact Sciences
Classification: Uncertain significance for TET3-related condition. Last evaluated: 2024-09-04. Review status: no assertion criteria provided. Collection method: clinical testing. Allele origin: germline.
Comment: The TET3 c.2263A>G variant is predicted to result in the amino acid substitution p.Lys755Glu. To our knowledge, this variant has not been reported in the literature or in a large population database, indicating this variant is rare. At this time, the clinical significance of this variant is uncertain due to the absence of conclusive functional and genetic evidence.